The following is an entry in ClinVar:

NM_001903.5(CTNNA1):c.348C>T (p.Cys116=)

Gene: CTNNA1 (catenin alpha 1; plus strand). Cytogenetic location: 5q31.2.
Variant type: single nucleotide variant.
Coding change: c.348C>T on transcript NM_001903.5 (MANE Select); coding-DNA position 348, C replaced by T.
Protein change: p.Cys116=; no amino-acid change (cysteine 116 retained).
Molecular consequence: synonymous variant. On other transcripts: intron variant (1).
Genome position (GRCh38, 1-based): chr5:138,810,084, C>T. VCF-style: chr5-138810084-C-T. GRCh37 (hg19) VCF-style: chr5-138145773-C-T.
Other names: c.348C>T, p.Cys116= (NM_001290307.3, NM_001323982.2, NM_001323983.1 and 3 more transcripts); c.39C>T, p.Cys13= (NM_001290309.3); c.-5-17C>T (NM_001290310.3).
Identifiers: ClinVar variation 1731914 (VCV001731914.8), dbSNP rs1455080825, ClinGen allele CA446590854.

ClinVar aggregate classification (germline): Benign/Likely benign. Review status: criteria provided, multiple submitters, no conflicts (2 of 4 stars). 3 submissions from 3 submitters: Benign (1); Likely benign (2). Last evaluated 2024-10-09.

Conditions:
Hereditary diffuse gastric adenocarcinoma (HDGC). Also called: DIFFUSE GASTRIC AND LOBULAR BREAST CANCER SYNDROME. Identifiers: Orphanet 26106, MedGen C1708349, MONDO:0007648, OMIM 137215.
Hereditary cancer-predisposing syndrome. Also called: Neoplastic Syndromes, Hereditary; Tumor predisposition; Hereditary Cancer Syndrome; Hereditary neoplastic syndrome. Identifiers: Orphanet 140162, MedGen C0027672, MeSH D009386, MONDO:0015356.

Submissions (3):

Myriad Genetics, Inc.
Classification: Benign for Hereditary diffuse gastric adenocarcinoma. Last evaluated: 2024-10-09. Review status: criteria provided, single submitter. Criteria: Myriad Autosomal Dominant, Autosomal Recessive and X-Linked Classification Criteria (2023). Collection method: clinical testing. Allele origin: unknown.
Comment: This variant is considered benign. This variant is a silent/synonymous amino acid change and it is not expected to impact splicing.

Labcorp Genetics (formerly Invitae), Labcorp
Classification: Likely benign. Last evaluated: 2022-06-22. Review status: criteria provided, single submitter. Criteria: Invitae Variant Classification Sherloc (09022015). Collection method: clinical testing. Allele origin: germline.

Ambry Genetics
Classification: Likely benign for Hereditary cancer-predisposing syndrome. Last evaluated: 2019-11-14. Review status: criteria provided, single submitter. Criteria: Ambry Variant Classification Scheme 2023. Collection method: clinical testing. Allele origin: germline.